The following is an entry in ClinVar:

ClinVar aggregate classification (germline): Likely pathogenic (1 of 4 stars; one submission).

Conditions:
Osteogenesis imperfecta (OI). Identifiers: Orphanet 666, MedGen C0029434, MeSH D010013, MONDO:0019019.

Submission:

Women's Health and Genetics/Laboratory Corporation of America, LabCorp
Classification: Likely pathogenic for Osteogenesis imperfecta. Last evaluated: 2024-06-24. Review status: criteria provided, single submitter. Criteria: LabCorp Variant Classification Summary - May 2015. Collection method: clinical testing. Allele origin: germline.
Comment: Variant summary: PPIB c.26T>A (p.Met9Lys) results in a non-conservative amino acid change in the encoded protein sequence. Four of five in-silico tools predict a damaging effect of the variant on protein function. The variant allele was found at a frequency of 8.1e-06 in 248020 control chromosomes. To our knowledge, no occurrence of c.26T>A in individuals affected with Osteogenesis Imperfecta and no experimental evidence demonstrating its impact on protein function have been reported. No submitters have cited clinical-significance assessments for this variant to ClinVar. However, multiple lines of evidence suggest that the p.Met9 codon, and not the p.Met1 codon, may be the true initiator codon (curated Uniprot assertion P23284, conservation across Animal kingdom alignments, match to Kozak consensus sequence, total loss of detectable protein in an individual with a different missense at this codon p.Met9Arg, and a pathogenic variant at this codon p.Met9Val; PMID: 20089953, 28116328). Based on the evidence outlined above, the variant was classified as likely pathogenic.

NM_000942.5(PPIB):c.26T>A (p.Met9Lys)

Gene: PPIB (peptidylprolyl isomerase B; minus strand). Cytogenetic location: 15q22.31.
Variant type: single nucleotide variant.
Coding change: c.26T>A on transcript NM_000942.5 (MANE Select); coding-DNA position 26, T replaced by A.
Protein change: p.Met9Lys; replaces methionine 9 with lysine.
Molecular consequence: missense variant.
Genome position (GRCh38, 1-based): chr15:64,162,961, A>T on the plus strand (T>A on the coding strand, the complement: PPIB is on the minus strand). VCF-style: chr15-64162961-A-T. GRCh37 (hg19) VCF-style: chr15-64455160-A-T.
Other names: short protein forms M9K.
Identifiers: ClinVar variation 3339830 (VCV003339830.1).